The following is an entry in ClinVar:

ClinVar aggregate classification (germline): Pathogenic/Likely pathogenic. Review status: criteria provided, multiple submitters, no conflicts (2 of 4 stars). 7 submissions from 7 submitters: Pathogenic (5); Likely pathogenic (1). 1 of the submissions does not count toward it. Last evaluated 2025-06-12.

Conditions:
Kidney stone. Also called: Nephrolithiasis. Identifiers: MedGen C0392525, MONDO:0008171, HP:0000787.
Nephrocalcinosis. Also called: Hypercalcemic nephropathy. Identifiers: MedGen C0027709, MONDO:0001567, HP:0000121.
Cystinuria (CSNU). Also called: Cystinuria, non-type I; CYSTINURIA, TYPE I; CYSTINURIA, TYPE II; CYSTINURIA, TYPE III. Identifiers: Orphanet 214, MedGen C0010691, MONDO:0009067, OMIM 220100, HP:0003131.

Allele frequency attached by ClinVar (database versions not stated): TOPMed 0.00031; ESP Exome Variant Server 0.00040; gnomAD exomes 0.00002 and 0.00007; ExAC 0.00007; gnomAD 0.00025 and 0.00028.

Submissions (7):

Labcorp Genetics (formerly Invitae), Labcorp
Classification: Pathogenic for Cystinuria. Last evaluated: 2025-06-12. Review status: criteria provided, single submitter. Criteria: Invitae Variant Classification Sherloc (09022015). Collection method: clinical testing. Allele origin: germline.
Comment: This sequence change creates a premature translational stop signal (p.Ala198Glnfs*8) in the SLC3A1 gene. It is expected to result in an absent or disrupted protein product. Loss-of-function variants in SLC3A1 are known to be pathogenic (PMID: 24610330, 25109415, 25964309). This variant is present in population databases (rs778000327, gnomAD 0.09%). This premature translational stop signal has been observed in individuals with cystinuria (PMID: 18947684, 28646536, 33262960). ClinVar contains an entry for this variant (Variation ID: 548674). For these reasons, this variant has been classified as Pathogenic.

Greenwood Genetic Center Diagnostic Laboratories, Greenwood Genetic Center
Classification: Pathogenic for Cystinuria. Last evaluated: 2025-01-07. Review status: criteria provided, single submitter. Criteria: ACMG Guidelines, 2015. Collection method: clinical testing. Allele origin: germline. Affected: yes.
Comment: PVS1, PM2, PM3_Strong

Fulgent Genetics
Classification: Pathogenic for Cystinuria. Last evaluated: 2024-03-30. Review status: criteria provided, single submitter. Criteria: ACMG Guidelines, 2015. Collection method: clinical testing. Allele origin: germline.

GeneDx
Classification: Pathogenic. Last evaluated: 2024-02-20. Review status: criteria provided, single submitter. Criteria: GeneDx Variant Classification Process June 2021. Collection method: clinical testing. Allele origin: germline. Affected: yes.
Comment: Frameshift variant predicted to result in protein truncation or nonsense mediated decay in a gene for which loss of function is a known mechanism of disease; This variant is associated with the following publications: (PMID: 25964309, 24610330, 28893421, 18947684, 28646536, 25109415, 33262960)

Revvity Omics, Revvity
Classification: Likely pathogenic for Cystinuria. Last evaluated: 2022-08-30. Review status: criteria provided, single submitter. Criteria: ACMG Guidelines, 2015. Collection method: clinical testing. Allele origin: germline.

College of Medicine Research Centre, King Saud Univeristy
Classification: Pathogenic for Cystinuria. Review status: criteria provided, single submitter. Criteria: ACMG Guidelines, 2015. Collection method: clinical testing. Allele origin: inherited. Inheritance: Autosomal recessive inheritance. Affected: yes. Observed: 1 homozygote.

Yale Center for Mendelian Genomics, Yale University
Classification: Likely pathogenic for Nephrolithiasis; Nephrocalcinosis. Last evaluated: 2017-09-08. Review status: no assertion criteria provided. Collection method: literature only. Allele origin: germline. Affected: yes. Observed: 1 homozygote. Not counted in ClinVar's aggregate classification.

Literature cited by the submitters: PubMed 24610330 (cited by Labcorp Genetics (formerly Invitae), Labcorp); PubMed 25109415 (cited by Labcorp Genetics (formerly Invitae), Labcorp); PubMed 25964309 (cited by Labcorp Genetics (formerly Invitae), Labcorp); PubMed 18947684 (cited by Labcorp Genetics (formerly Invitae), Labcorp); PubMed 28646536 (cited by Labcorp Genetics (formerly Invitae), Labcorp); PubMed 33262960 (cited by Labcorp Genetics (formerly Invitae), Labcorp); PubMed 28893421 (cited by Yale Center for Mendelian Genomics, Yale University).

NM_000341.4(SLC3A1):c.592del (p.Ala198fs)

Gene: SLC3A1 (solute carrier family 3 member 1; plus strand). Cytogenetic location: 2p21.
Variant type: Deletion.
Coding change: c.592del on transcript NM_000341.4 (MANE Select); coding-DNA position 592, one base deleted (G; older notation c.592delG).
Protein change: p.Ala198fs; shifts the reading frame from alanine 198.
Molecular consequence: frameshift variant.
Genome position (GRCh38, 1-based): chr2:44,280,877, G deleted. VCF-style (leftmost placement, unchanged base first): chr2-44280876-TG-T. GRCh37 (hg19) VCF-style: chr2-44508015-TG-T.
Other names: P.(Ala198glnfs*8); c.592del (NM_000341.3); short protein forms A198fs.
Identifiers: ClinVar variation 548674 (VCV000548674.14), dbSNP rs778000327, ClinGen allele CA1640171.